The following is an entry in ClinVar:

NM_177398.4(LMX1A):c.554CTG[1] (p.Ala186del)

Gene: LMX1A (LIM homeobox transcription factor 1 alpha; minus strand). Cytogenetic location: 1q23.3.
Variant type: Microsatellite.
Coding change: c.554CTG[1] on transcript NM_177398.4 (MANE Select); one copy of the 3-base unit CTG starting at c.554; the reference has two copies in a row; one copy, 3 bases deleted.
Protein change: p.Ala186del; deletes alanine 186.
Genome position (GRCh38, 1-based): chr1:165,213,751-165,213,753, CAG deleted on the plus strand (CTG on the coding strand, the reverse complement: LMX1A is on the minus strand); deleting any 3 consecutive bases within chr1:165,213,751-165,213,756 gives the same sequence; the position shown is the placement nearest the transcript's 3' end. VCF-style (leftmost placement, unchanged base first): chr1-165213750-TCAG-T. GRCh37 (hg19) VCF-style: chr1-165182987-TCAG-T.
Other names: c.554CTG[1], p.Ala186del (NM_001174069.2); short protein forms A186del.
Identifiers: ClinVar variation 3048089 (VCV003048089.3), dbSNP rs376588006, ClinGen allele CA1219763.

ClinVar aggregate classification (germline): Uncertain significance. Review status: criteria provided, single submitter (1 of 4 stars). 2 submissions from 2 submitters: Uncertain significance (1). 1 of the submissions does not count toward it. Last evaluated 2024-10-10.

Conditions:
LMX1A-related disorder. Also called: LMX1A-related condition.

Submissions (2):

Blueprint Genetics
Classification: Uncertain significance. Last evaluated: 2024-10-10. Review status: criteria provided, single submitter. Criteria: ACMG Guidelines, 2015. Collection method: clinical testing. Allele origin: germline.

PreventionGenetics, part of Exact Sciences
Classification: Likely benign for LMX1A-related condition. Last evaluated: 2023-07-12. Review status: no assertion criteria provided. Collection method: clinical testing. Allele origin: germline. Not counted in ClinVar's aggregate classification.
Comment: This variant is classified as likely benign based on ACMG/AMP sequence variant interpretation guidelines (Richards et al. 2015 PMID: 25741868, with internal and published modifications).